The following is an entry in ClinVar:

NM_001267550.2(TTN):c.20892G>A (p.Thr6964=)

Genes: TTN (titin; minus strand), LOC126806428 (BRD4-independent group 4 enhancer GRCh37_chr2:179588362-179589561; plus strand). Cytogenetic location: 2q31.2.
Variant type: single nucleotide variant.
Coding change: c.20892G>A on transcript NM_001267550.2 (MANE Select); coding-DNA position 20892, G replaced by A.
Protein change: p.Thr6964=; no amino-acid change (threonine 6964 retained).
Molecular consequence: synonymous variant. On other transcripts: intron variant (3).
Genome position (GRCh38, 1-based): chr2:178,724,483, C>T on the plus strand (G>A on the coding strand, the complement: TTN is on the minus strand). VCF-style: chr2-178724483-C-T. GRCh37 (hg19) VCF-style: chr2-179589210-C-T.
Other names: c.19941G>A, p.Thr6647= (NM_001256850.1); c.17160G>A, p.Thr5720= (NM_133378.4); c.13282+13599G>A (NM_003319.4); c.13858+13599G>A (NM_133437.4); c.13657+13599G>A (NM_133432.3).
Identifiers: ClinVar variation 179098 (VCV000179098.18), dbSNP rs727504623, ClinGen allele CA183720.
Genomic context (GRCh38, chr2:178,724,483, plus strand): 5'-ATCCTTGTACCATTCAACAGAGAGTTCCGGAGTGCCAGCCACCTTACACTCCAGAGTGCA[C>T]GTTTCTCCTACAGTCACCGTCATCGGTCCTGCCTTCTCAACAATGACTGCGGGCTCTGAA-3'
Protein context (NP_001254479.2, residues 6954-6974): AGPMTVTVGE[Thr6964=]CTLECKVAGT

ClinVar aggregate classification (germline): Likely benign. Review status: criteria provided, multiple submitters, no conflicts (2 of 4 stars). 5 submissions from 5 submitters: Likely benign (5). Last evaluated 2026-02-09.

Conditions:
Dilated cardiomyopathy 1G (CMD1G). Identifiers: Orphanet 154, MedGen C1858763, MONDO:0011400, OMIM 604145.
Autosomal recessive limb-girdle muscular dystrophy type 2J (LGMDR10). Also called: Limb-girdle muscular dystrophy, type 2J; MUSCULAR DYSTROPHY, LIMB-GIRDLE, AUTOSOMAL RECESSIVE 10. Identifiers: Orphanet 140922, MedGen C1837342, MONDO:0012127, OMIM 608807.
Cardiovascular phenotype. Identifiers: MedGen CN230736.
TTN-related disorder. Also called: TTN-related condition; TTN-related disease; TTN-related disorders.

Allele frequency attached by ClinVar (database versions not stated): gnomAD 0.00001; TOPMed 0.00002.
gnomAD v4.1: 31 of 1,612,120 alleles (0.0019%); highest among the groups gnomAD compares: Middle Eastern, 0.016%; no homozygotes.

Submissions (5):

PreventionGenetics, part of Exact Sciences
Classification: Likely benign for TTN-related condition. Last evaluated: 2026-02-09. Review status: criteria provided, single submitter. Criteria: ACMG Guidelines, 2015. Collection method: clinical testing. Allele origin: germline.
Comment: This variant is classified as likely benign based on ACMG/AMP sequence variant interpretation guidelines (Richards et al. 2015 PMID: 25741868, with internal and published modifications).

Labcorp Genetics (formerly Invitae), Labcorp
Classification: Likely benign for Dilated cardiomyopathy 1G; Autosomal recessive limb-girdle muscular dystrophy type 2J. Last evaluated: 2025-08-30. Review status: criteria provided, single submitter. Criteria: Invitae Variant Classification Sherloc (09022015). Collection method: clinical testing. Allele origin: germline.

GeneDx
Classification: Likely benign. Last evaluated: 2017-03-02. Review status: criteria provided, single submitter. Criteria: GeneDx Variant Classification (06012015). Collection method: clinical testing. Allele origin: germline. Affected: yes.
Comment: This variant is considered likely benign or benign based on one or more of the following criteria: it is a conservative change, it occurs at a poorly conserved position in the protein, it is predicted to be benign by multiple in silico algorithms, and/or has population frequency not consistent with disease.

Ambry Genetics
Classification: Likely benign for Cardiovascular phenotype. Last evaluated: 2013-09-19. Review status: criteria provided, single submitter. Criteria: Ambry Autosomal Dominant and X-Linked criteria (10/2015). Collection method: clinical testing. Allele origin: germline. Observed: 1 variant allele.

Laboratory for Molecular Medicine, Mass General Brigham Personalized Medicine
Classification: Likely benign. Last evaluated: 2013-08-11. Review status: criteria provided, single submitter. Criteria: LMM Criteria. Collection method: clinical testing. Allele origin: germline. Observed: 1 variant allele.
Comment: Thr5720Thr in exon 69 TTN: This variant is not expected to have clinical signifi cance because it does not alter an amino acid residue and is not located within the splice consensus sequence. Thr5720Thr in exon 69 TTN (allele frequency = n/ a)